The following is an entry in ClinVar:

NM_000350.3(ABCA4):c.3288G>A (p.Ser1096=)

Gene: ABCA4 (ATP binding cassette subfamily A member 4; minus strand). Cytogenetic location: 1p22.1.
Variant type: single nucleotide variant.
Coding change: c.3288G>A on transcript NM_000350.3 (MANE Select); coding-DNA position 3288, G replaced by A.
Protein change: p.Ser1096=; no amino-acid change (serine 1096 retained).
Molecular consequence: synonymous variant.
Genome position (GRCh38, 1-based): chr1:94,042,801, C>T on the plus strand (G>A on the coding strand, the complement: ABCA4 is on the minus strand). VCF-style: chr1-94042801-C-T. GRCh37 (hg19) VCF-style: chr1-94508357-C-T.
Other names: c.3288G>A (NM_000350.2); c.3066G>A, p.Ser1022= (NM_001425324.1).
Identifiers: ClinVar variation 2722668 (VCV002722668.4), dbSNP rs775859810, ClinGen allele CA957994.

ClinVar aggregate classification (germline): Likely benign. Review status: criteria provided, multiple submitters, no conflicts (2 of 4 stars). 2 submissions from 2 submitters: Likely benign (2). Last evaluated 2025-04-29.

Conditions:
ABCA4-related disorder. Also called: ABCA4-related disorders; ABCA4-related condition. Identifiers: MedGen CN239167.

Allele frequency attached by ClinVar (database versions not stated): gnomAD exomes below 0.00001; ExAC 0.00001; gnomAD 0.00001; TOPMed 0.00001.
gnomAD v4.1: 6 of 1,614,162 alleles (0.00037%); highest among the groups gnomAD compares: South Asian, 0.0033%; no homozygotes.

Submissions (2):

PreventionGenetics, part of Exact Sciences
Classification: Likely benign for ABCA4-related condition. Last evaluated: 2025-04-29. Review status: criteria provided, single submitter. Criteria: ACMG Guidelines, 2015. Collection method: clinical testing. Allele origin: germline.
Comment: This variant is classified as likely benign based on ACMG/AMP sequence variant interpretation guidelines (Richards et al. 2015 PMID: 25741868, with internal and published modifications).

Labcorp Genetics (formerly Invitae), Labcorp
Classification: Likely benign. Last evaluated: 2023-12-13. Review status: criteria provided, single submitter. Criteria: Invitae Variant Classification Sherloc (09022015). Collection method: clinical testing. Allele origin: germline.